The following is an entry in ClinVar:

ClinVar aggregate classification (germline): Conflicting classifications of pathogenicity. Review status: criteria provided, conflicting classifications (1 of 4 stars). 3 submissions from 3 submitters: Uncertain significance (1); Likely benign (2). Last evaluated 2024-11-07.

Conditions:
Citrullinemia. Identifiers: Orphanet 187, MedGen C0175683, MONDO:0015991.

Allele frequency attached by ClinVar (database versions not stated): gnomAD 0.00002; TOPMed 0.00003; ExAC 0.00005; gnomAD exomes 0.00005.
gnomAD v4.1: 91 of 1,613,936 alleles (0.0056%); highest among the groups gnomAD compares: Middle Eastern, 0.033%; no homozygotes.

Submissions (3):

Blueprint Genetics
Classification: Likely benign. Last evaluated: 2024-11-07. Review status: criteria provided, single submitter. Criteria: ACMG Guidelines, 2015. Collection method: clinical testing. Allele origin: germline.

Labcorp Genetics (formerly Invitae), Labcorp
Classification: Likely benign for Citrullinemia. Last evaluated: 2024-08-05. Review status: criteria provided, single submitter. Criteria: Invitae Variant Classification Sherloc (09022015). Collection method: clinical testing. Allele origin: germline.

CeGaT Center for Human Genetics Tuebingen
Classification: Uncertain significance. Last evaluated: 2024-03-01. Review status: criteria provided, single submitter. Criteria: CeGaT Center For Human Genetics Tuebingen Variant Classification Criteria Version 2. Collection method: clinical testing. Allele origin: germline. Affected: yes. Observed: 4 variant alleles.
Comment: ASS1: PM2, PM3:Supporting, BP4

NM_054012.4(ASS1):c.567-4G>A

Gene: ASS1 (argininosuccinate synthase 1; plus strand). Cytogenetic location: 9q34.11.
Variant type: single nucleotide variant.
Coding change: c.567-4G>A on transcript NM_054012.4 (MANE Select); 4 bases into the intron before coding-DNA position 567, G replaced by A.
Molecular consequence: intron variant.
Genome position (GRCh38, 1-based): chr9:130,471,481, G>A. VCF-style: chr9-130471481-G-A. GRCh37 (hg19) VCF-style: chr9-133346868-G-A.
Other names: c.567-4G>A (NM_000050.4).
Identifiers: ClinVar variation 810443 (VCV000810443.51), dbSNP rs754758285, ClinGen allele CA5283367.